The following is an entry in ClinVar:

NM_000868.4(HTR2C):c.1371T>C (p.Ser457=)

Genes: HTR2C (5-hydroxytryptamine receptor 2C; plus strand), LOC126863306 (MED14-independent group 3 enhancer GRCh37_chrX:114140926-114142125; plus strand). Cytogenetic location: Xq23.
Variant type: single nucleotide variant.
Coding change: c.1371T>C on transcript NM_000868.4 (MANE Select); coding-DNA position 1371, T replaced by C.
Protein change: p.Ser457=; no amino-acid change (serine 457 retained).
Molecular consequence: synonymous variant. On other transcripts: 3 prime UTR variant (1).
Genome position (GRCh38, 1-based): chrX:114,907,409, T>C. VCF-style: chrX-114907409-T-C. GRCh37 (hg19) VCF-style: chrX-114141972-T-C.
Other names: c.1371T>C, p.Ser457= (NM_001256760.3); c.*529T>C (NM_001256761.3).
Identifiers: ClinVar variation 4993407 (VCV004993407.1).
Genomic context (GRCh38, chrX:114,907,409, plus strand): 5'-AGTTGAGAATTTAGAGTTACCAGTAAATCCCTCCAGTGTGGTTAGCGAAAGGATTAGCAG[T>C]GTGTGAGAAAGAACAGCACAGTCTTTTCCTACGGTACAAGCTACATATGTAGGAAAATTT-3'
Protein context (NP_000859.2, residues 447-458): PSSVVSERIS[Ser457=]V

ClinVar aggregate classification (germline): Likely benign (1 of 4 stars; one submission).

Conditions:
HTR2C-related disorder. Also called: HTR2C-related condition.

Submission:

PreventionGenetics, part of Exact Sciences
Classification: Likely benign for HTR2C-related condition. Last evaluated: 2026-09-03. Review status: criteria provided, single submitter. Criteria: ACMG Guidelines, 2015. Collection method: clinical testing. Allele origin: germline.
Comment: This variant is classified as likely benign based on ACMG/AMP sequence variant interpretation guidelines (Richards et al. 2015 PMID: 25741868, with internal and published modifications).